The following is an entry in ClinVar:

NM_001365536.1(SCN9A):c.3839A>C (p.Tyr1280Ser)

Genes: SCN1A-AS1 (SCN1A and SCN9A antisense RNA 1; plus strand), SCN9A (sodium voltage-gated channel alpha subunit 9; minus strand). Cytogenetic location: 2q24.3.
Variant type: single nucleotide variant.
Coding change: c.3839A>C on transcript NM_001365536.1 (MANE Select); coding-DNA position 3839, A replaced by C.
Protein change: p.Tyr1280Ser; replaces tyrosine 1280 with serine.
Molecular consequence: missense variant.
Genome position (GRCh38, 1-based): chr2:166,233,425, T>G on the plus strand (A>C on the coding strand, the complement: SCN9A is on the minus strand). VCF-style: chr2-166233425-T-G. GRCh37 (hg19) VCF-style: chr2-167089935-T-G.
Other names: c.3806A>C, p.Tyr1269Ser (NM_002977.4); short protein forms Y1269S, Y1280S.
Identifiers: ClinVar variation 2927088 (VCV002927088.3), dbSNP rs200153808, ClinGen allele CA349066605.

ClinVar aggregate classification (germline): Uncertain significance (1 of 4 stars; one submission).

Conditions:
Neuropathy, hereditary sensory and autonomic, type 2A (HSAN2A). Also called: MORVAN DISEASE; NEUROPATHY, CONGENITAL SENSORY; NEUROPATHY, HEREDITARY SENSORY RADICULAR, AUTOSOMAL RECESSIVE; NEUROPATHY, HEREDITARY SENSORY, TYPE IIA; NEUROPATHY, PROGRESSIVE SENSORY, OF CHILDREN; ACROOSTEOLYSIS, GIACCAI TYPE. Identifiers: Orphanet 970, MedGen C2752089, MONDO:0024309, OMIM 201300.
Generalized epilepsy with febrile seizures plus, type 7 (GEFSP7). Also called: GEFS+, TYPE 7. Identifiers: Orphanet 36387, MedGen C2751778, MONDO:0013470, OMIM 613863.

Submission:

Labcorp Genetics (formerly Invitae), Labcorp
Classification: Uncertain significance for Neuropathy, hereditary sensory and autonomic, type 2A; Generalized epilepsy with febrile seizures plus, type 7. Last evaluated: 2023-04-10. Review status: criteria provided, single submitter. Criteria: Invitae Variant Classification Sherloc (09022015). Collection method: clinical testing. Allele origin: germline.
Comment: In summary, the available evidence is currently insufficient to determine the role of this variant in disease. Therefore, it has been classified as a Variant of Uncertain Significance. Advanced modeling of protein sequence and biophysical properties (such as structural, functional, and spatial information, amino acid conservation, physicochemical variation, residue mobility, and thermodynamic stability) performed at Invitae indicates that this missense variant is not expected to disrupt SCN9A protein function. This variant has not been reported in the literature in individuals affected with SCN9A-related conditions. This variant is not present in population databases (gnomAD no frequency). This sequence change replaces tyrosine, which is neutral and polar, with serine, which is neutral and polar, at codon 1269 of the SCN9A protein (p.Tyr1269Ser).